The following is an entry in ClinVar:

NC_000003.11:g.(43607220_43616300)_(43621965_43640023)del

Gene: ANO10 (anoctamin 10; minus strand). Cytogenetic location: 3p22.1.
Variant type: Deletion.
Identifiers: ClinVar variation 3907035 (VCV003907035.1).

ClinVar aggregate classification (germline): Pathogenic (1 of 4 stars; one submission).

Conditions:
Autosomal recessive spinocerebellar ataxia 10. Identifiers: Orphanet 284289, MedGen C3150998, MONDO:0013392, OMIM 613728.

Submission:

Women's Health and Genetics/Laboratory Corporation of America, LabCorp
Classification: Pathogenic for Autosomal recessive spinocerebellar ataxia 10. Last evaluated: 2025-06-18. Review status: criteria provided, single submitter. Criteria: LabCorp Variant Classification Summary - May 2015. Collection method: clinical testing. Allele origin: germline.
Comment: Variant summary: The variant involves the deletion of exons 5-7 in the ANO10 gene. This Copy Number Variant (CNV) is expected to alter the reading frame and predicted to result in a truncation or absence of the encoded protein due to nonsense mediated decay (NMD). A presumed nomenclature of c.(472+1_473-1)_(1218+1_1219-1)del has been designated for the purposes of this classification. The variant was absent in 21694 control chromosomes. To our knowledge, no occurrence of c.(472+1_473-1)_(1218+1_1219-1)del in individuals affected with Spinocerebellar ataxia 10 and no experimental evidence demonstrating its impact on protein function have been reported. ClinVar contains an entry for this variant (Variation ID: 3247032). Based on the evidence outlined above, the variant was classified as pathogenic.